The following is an entry in ClinVar:

NM_018063.5(HELLS):c.895A>G (p.Thr299Ala)

Gene: HELLS (helicase, lymphoid specific; plus strand). Cytogenetic location: 10q23.33.
Variant type: single nucleotide variant.
Coding change: c.895A>G on transcript NM_018063.5 (MANE Select); coding-DNA position 895, A replaced by G.
Protein change: p.Thr299Ala; replaces threonine 299 with alanine.
Molecular consequence: missense variant. On other transcripts: 5 prime UTR variant (2).
Genome position (GRCh38, 1-based): chr10:94,576,668, A>G. VCF-style: chr10-94576668-A-G. GRCh37 (hg19) VCF-style: chr10-96336425-A-G.
Other names: c.895A>G (NM_018063.3); c.895A>G, p.Thr299Ala (NM_001289067.2, NM_001289069.2, NM_001289070.2 and 1 more transcripts); c.847A>G, p.Thr283Ala (NM_001289068.2); c.523A>G, p.Thr175Ala (NM_001289071.2); c.481A>G, p.Thr161Ala (NM_001289073.2); c.-108A>G (NM_001289074.2); c.-127A>G (NM_001289075.2); short protein forms T175A, T299A, T161A, T283A.
Identifiers: ClinVar variation 2175050 (VCV002175050.2), dbSNP rs761675110, ClinGen allele CA5615376.

ClinVar aggregate classification (germline): Uncertain significance. Review status: criteria provided, multiple submitters, no conflicts (2 of 4 stars). 2 submissions from 2 submitters: Uncertain significance (2). Last evaluated 2025-08-23.

Conditions:
Inborn genetic diseases. Identifiers: MedGen C0950123, MeSH D030342.

Allele frequency attached by ClinVar (database versions not stated): gnomAD exomes below 0.00001; ExAC 0.00001; TOPMed 0.00001.
gnomAD v4.1: 5 of 1,584,422 alleles (0.00032%); highest among the groups gnomAD compares: Non-Finnish European, 0.00026%; no homozygotes.

Submissions (2):

Ambry Genetics
Classification: Uncertain significance for Inborn genetic diseases. Last evaluated: 2025-08-23. Review status: criteria provided, single submitter. Criteria: Ambry Variant Classification Scheme 2023. Collection method: clinical testing. Allele origin: germline.

Labcorp Genetics (formerly Invitae), Labcorp
Classification: Uncertain significance. Last evaluated: 2022-08-09. Review status: criteria provided, single submitter. Criteria: Invitae Variant Classification Sherloc (09022015). Collection method: clinical testing. Allele origin: germline.
Comment: This sequence change replaces threonine, which is neutral and polar, with alanine, which is neutral and non-polar, at codon 299 of the HELLS protein (p.Thr299Ala). This variant is present in population databases (rs761675110, gnomAD 0.0009%). This variant has not been reported in the literature in individuals affected with HELLS-related conditions. Algorithms developed to predict the effect of missense changes on protein structure and function (SIFT, PolyPhen-2, Align-GVGD) all suggest that this variant is likely to be tolerated. In summary, the available evidence is currently insufficient to determine the role of this variant in disease. Therefore, it has been classified as a Variant of Uncertain Significance.